The following is an entry in ClinVar:

ClinVar aggregate classification (germline): Uncertain significance (1 of 4 stars; one submission).

Conditions:
Progressive sclerosing poliodystrophy (MTDPS4A). Also called: Mitochondrial DNA depletion syndrome 4A (Alpers type); ALPERS PROGRESSIVE INFANTILE POLIODYSTROPHY; NEURONAL DEGENERATION OF CHILDHOOD WITH LIVER DISEASE, PROGRESSIVE; Alpers Syndrome; ALPERS DIFFUSE DEGENERATION OF CEREBRAL GRAY MATTER WITH HEPATIC CIRRHOSIS; Alpers-Huttenlocher Syndrome. Identifiers: Orphanet 726, MedGen C0205710, MONDO:0008758, OMIM 203700.

Allele frequency attached by ClinVar (database versions not stated): gnomAD exomes below 0.00001; TOPMed 0.00001.

Submission:

Labcorp Genetics (formerly Invitae), Labcorp
Classification: Uncertain significance for Progressive sclerosing poliodystrophy. Last evaluated: 2022-12-18. Review status: criteria provided, single submitter. Criteria: Invitae Variant Classification Sherloc (09022015). Collection method: clinical testing. Allele origin: germline.
Comment: This sequence change replaces aspartic acid, which is acidic and polar, with glycine, which is neutral and non-polar, at codon 581 of the POLG protein (p.Asp581Gly). This variant is not present in population databases (gnomAD no frequency). This variant has not been reported in the literature in individuals affected with POLG-related conditions. Algorithms developed to predict the effect of missense changes on protein structure and function (SIFT, PolyPhen-2, Align-GVGD) all suggest that this variant is likely to be tolerated. In summary, the available evidence is currently insufficient to determine the role of this variant in disease. Therefore, it has been classified as a Variant of Uncertain Significance.

NM_002693.3(POLG):c.1742A>G (p.Asp581Gly)

Gene: POLG (DNA polymerase gamma, catalytic subunit; minus strand). Cytogenetic location: 15q26.1.
Variant type: single nucleotide variant.
Coding change: c.1742A>G on transcript NM_002693.3 (MANE Select); coding-DNA position 1742, A replaced by G.
Protein change: p.Asp581Gly; replaces aspartic acid 581 with glycine.
Molecular consequence: missense variant.
Genome position (GRCh38, 1-based): chr15:89,325,657, T>C on the plus strand (A>G on the coding strand, the complement: POLG is on the minus strand). VCF-style: chr15-89325657-T-C. GRCh37 (hg19) VCF-style: chr15-89868888-T-C.
Other names: c.1742A>G, p.Asp581Gly (NM_001126131.2); short protein forms D581G.
Identifiers: ClinVar variation 2184198 (VCV002184198.4), dbSNP rs1338200187, ClinGen allele CA393759458.
Genomic context (GRCh38, chr15:89,325,657, plus strand): 5'-TTAGGTGTGACCCGCATCTGCAGGCTGAGGAGGCTGGGGCCCGGGGTCCATGCAGGGTCG[T>C]CTAGCCGGGGGCAGAGCTTCCGGTACCATCTACGTCCCAGCAGGAAGACAGCAGTGTCAC-3'
Protein context (NP_002684.1, residues 571-591): GWYRKLCPRL[Asp581Gly]DPAWTPGPSL